The following is an entry in ClinVar:

NM_001447.3(FAT2):c.7561A>G (p.Ile2521Val)

Genes: FAT2 (FAT atypical cadherin 2; minus strand), SLC36A1 (solute carrier family 36 member 1; plus strand). Cytogenetic location: 5q33.1.
Variant type: single nucleotide variant.
Coding change: c.7561A>G on transcript NM_001447.3 (MANE Select); coding-DNA position 7561, A replaced by G.
Protein change: p.Ile2521Val; replaces isoleucine 2521 with valine.
Molecular consequence: missense variant.
Genome position (GRCh38, 1-based): chr5:151,543,566, T>C on the plus strand (A>G on the coding strand, the complement: FAT2 is on the minus strand). VCF-style: chr5-151543566-T-C. GRCh37 (hg19) VCF-style: chr5-150923127-T-C.
Other names: short protein forms I2521V.
Identifiers: ClinVar variation 2092243 (VCV002092243.4), dbSNP rs1219222124, ClinGen allele CA361834991.

ClinVar aggregate classification (germline): Uncertain significance (1 of 4 stars; one submission).

Allele frequency attached by ClinVar (database versions not stated): TOPMed below 0.00001.
gnomAD v4.1: 1 of 1,614,080 alleles (0.000062%); no homozygotes.

Submission:

Labcorp Genetics (formerly Invitae), Labcorp
Classification: Uncertain significance. Last evaluated: 2024-06-03. Review status: criteria provided, single submitter. Criteria: Invitae Variant Classification Sherloc (09022015). Collection method: clinical testing. Allele origin: germline.
Comment: This sequence change replaces isoleucine, which is neutral and non-polar, with valine, which is neutral and non-polar, at codon 2521 of the FAT2 protein (p.Ile2521Val). This variant is not present in population databases (gnomAD no frequency). This variant has not been reported in the literature in individuals affected with FAT2-related conditions. ClinVar contains an entry for this variant (Variation ID: 2092243). An algorithm developed to predict the effect of missense changes on protein structure and function (PolyPhen-2) suggests that this variant is likely to be disruptive. In summary, the available evidence is currently insufficient to determine the role of this variant in disease. Therefore, it has been classified as a Variant of Uncertain Significance.